The following is an entry in ClinVar:

NM_002855.5(NECTIN1):c.329G>A (p.Arg110His)

Gene: NECTIN1 (nectin cell adhesion molecule 1; minus strand). Cytogenetic location: 11q23.3.
Variant type: single nucleotide variant.
Coding change: c.329G>A on transcript NM_002855.5 (MANE Select); coding-DNA position 329, G replaced by A.
Protein change: p.Arg110His; replaces arginine 110 with histidine.
Molecular consequence: missense variant.
Genome position (GRCh38, 1-based): chr11:119,678,516, C>T on the plus strand (G>A on the coding strand, the complement: NECTIN1 is on the minus strand). VCF-style: chr11-119678516-C-T. GRCh37 (hg19) VCF-style: chr11-119549226-C-T.
Other names: c.329G>A, p.Arg110His (NM_203285.2, NM_203286.2); short protein forms R110H.
Identifiers: ClinVar variation 4750536 (VCV004750536.1).

ClinVar aggregate classification (germline): Uncertain significance (1 of 4 stars; one submission).

gnomAD v4.1: 26 of 1,614,072 alleles (0.0016%); highest among the groups gnomAD compares: Admixed American, 0.01%; 1 homozygote.

Submission:

Labcorp Genetics (formerly Invitae), Labcorp
Classification: Uncertain significance. Last evaluated: 2025-03-16. Review status: criteria provided, single submitter. Criteria: Invitae Variant Classification Sherloc (09022015). Collection method: clinical testing. Allele origin: germline.
Comment: This sequence change replaces arginine, which is basic and polar, with histidine, which is basic and polar, at codon 110 of the NECTIN1 protein (p.Arg110His). This variant is present in population databases (rs750571284, gnomAD 0.01%), including at least one homozygous and/or hemizygous individual. This variant has not been reported in the literature in individuals affected with NECTIN1-related conditions. An algorithm developed to predict the effect of missense changes on protein structure and function (PolyPhen-2) suggests that this variant is likely to be disruptive. In summary, the available evidence is currently insufficient to determine the role of this variant in disease. Therefore, it has been classified as a Variant of Uncertain Significance.